The following is an entry in ClinVar:

NM_004260.4(RECQL4):c.905C>A (p.Pro302His)

Gene: RECQL4 (RecQ like helicase 4; minus strand). Cytogenetic location: 8q24.3.
Variant type: single nucleotide variant.
Coding change: c.905C>A on transcript NM_004260.4 (MANE Select); coding-DNA position 905, C replaced by A.
Protein change: p.Pro302His; replaces proline 302 with histidine.
Molecular consequence: missense variant.
Genome position (GRCh38, 1-based): chr8:144,516,214, G>T on the plus strand (C>A on the coding strand, the complement: RECQL4 is on the minus strand). VCF-style: chr8-144516214-G-T. GRCh37 (hg19) VCF-style: chr8-145741598-G-T.
Other names: c.905C>A (NM_004260.3); c.905C>A, p.Pro302His (NM_001413017.1, NM_001413018.1, NM_001413019.1 and 4 more transcripts); c.-167C>A (NM_001413021.1, NM_001413022.1, NM_001413023.1 and 7 more transcripts); c.776C>A, p.Pro259His (NM_001413025.1); c.-229C>A (NM_001413027.1, NM_001413030.1, NM_001413031.1 and 2 more transcripts); c.554C>A, p.Pro185His (NM_001413029.1); c.-71C>A (NM_001413034.1); c.-436C>A (NM_001413043.1); short protein forms P259H, P302H, P185H.
Identifiers: ClinVar variation 1935284 (VCV001935284.6), dbSNP rs1242395636, ClinGen allele CA372688702.
Genomic context (GRCh38, chr8:144,516,214, plus strand): 5'-AGTCCGTGGTACCTGGGGTTCGATGGGCTGCTGCAGGGCTGAGGTGGCTGTGCCTGTACA[G>T]GTTCCCCTGGAGGGTCTTCCTCAACTGCTACAGCCCCAGCCCCCTCCGATGGGGGTCCAG-3'
Protein context (NP_004251.4, residues 292-312): VAVEEDPPGE[Pro302His]VQAQPPQPCS

ClinVar aggregate classification (germline): Uncertain significance. Review status: criteria provided, multiple submitters, no conflicts (2 of 4 stars). 2 submissions from 2 submitters: Uncertain significance (2). Last evaluated 2025-05-24.

Conditions:
Baller-Gerold syndrome (BGS). Also called: CRANIOSYNOSTOSIS WITH RADIAL DEFECTS. Identifiers: Orphanet 1225, MedGen C0265308, MONDO:0009039, OMIM 218600.
Inborn genetic diseases. Identifiers: MedGen C0950123, MeSH D030342.

Allele frequency attached by ClinVar (database versions not stated): gnomAD exomes below 0.00001.
gnomAD v4.1: 1 of 1,613,246 alleles (0.000062%); highest among the groups gnomAD compares: East Asian, 0.0022%; no homozygotes.

Submissions (2):

Ambry Genetics
Classification: Uncertain significance for Inborn genetic diseases. Last evaluated: 2025-05-24. Review status: criteria provided, single submitter. Criteria: Ambry Variant Classification Scheme 2023. Collection method: clinical testing. Allele origin: germline.
Comment: The p.P302H variant (also known as c.905C>A), located in coding exon 5 of the RECQL4 gene, results from a C to A substitution at nucleotide position 905. The proline at codon 302 is replaced by histidine, an amino acid with similar properties. This amino acid position is conserved. In addition, this alteration is predicted to be tolerated by in silico analysis. Based on the available evidence, the clinical significance of this variant remains unclear.

Labcorp Genetics (formerly Invitae), Labcorp
Classification: Uncertain significance for Baller-Gerold syndrome. Last evaluated: 2023-10-23. Review status: criteria provided, single submitter. Criteria: Invitae Variant Classification Sherloc (09022015). Collection method: clinical testing. Allele origin: germline.
Comment: This sequence change replaces proline, which is neutral and non-polar, with histidine, which is basic and polar, at codon 302 of the RECQL4 protein (p.Pro302His). This variant is present in population databases (no rsID available, gnomAD 0.006%). This variant has not been reported in the literature in individuals affected with RECQL4-related conditions. ClinVar contains an entry for this variant (Variation ID: 1935284). Advanced modeling of protein sequence and biophysical properties (such as structural, functional, and spatial information, amino acid conservation, physicochemical variation, residue mobility, and thermodynamic stability) has been performed at Invitae for this missense variant, however the output from this modeling did not meet the statistical confidence thresholds required to predict the impact of this variant on RECQL4 protein function. In summary, the available evidence is currently insufficient to determine the role of this variant in disease. Therefore, it has been classified as a Variant of Uncertain Significance.